The following is an entry in ClinVar:

NM_024422.6(DSC2):c.2010C>A (p.Asp670Glu)

Gene: DSC2 (desmocollin 2; minus strand). Cytogenetic location: 18q12.1.
Variant type: single nucleotide variant.
Coding change: c.2010C>A on transcript NM_024422.6 (MANE Select); coding-DNA position 2010, C replaced by A.
Protein change: p.Asp670Glu; replaces aspartic acid 670 with glutamic acid.
Molecular consequence: missense variant.
Genome position (GRCh38, 1-based): chr18:31,071,720, G>T on the plus strand (C>A on the coding strand, the complement: DSC2 is on the minus strand). VCF-style: chr18-31071720-G-T. GRCh37 (hg19) VCF-style: chr18-28651686-G-T.
Other names: c.2010C>A, p.Asp670Glu (NM_004949.5); short protein forms D670E.
Identifiers: ClinVar variation 842573 (VCV000842573.9), dbSNP rs1423264468, ClinGen allele CA402113154.

ClinVar aggregate classification (germline): Uncertain significance (1 of 4 stars; one submission).

Conditions:
Arrhythmogenic right ventricular dysplasia 11. Also called: ARRHYTHMOGENIC RIGHT VENTRICULAR DYSPLASIA, FAMILIAL, 11; Arrhythmogenic Right Ventricular Dysplasia/Cardiomyopathy11; Arrhythmogenic right ventricular dysplasia 11 with mild palmoplantar keratoderma and woolly hair. Identifiers: MedGen C1864850, MONDO:0012506, OMIM 610476.

Allele frequency attached by ClinVar (database versions not stated): gnomAD 0.00001; TOPMed below 0.00001; gnomAD exomes below 0.00001.
gnomAD v4.1: 2 of 1,613,870 alleles (0.00012%); highest among the groups gnomAD compares: African/African-American, 0.0027%; no homozygotes.

Submission:

Labcorp Genetics (formerly Invitae), Labcorp
Classification: Uncertain significance for Arrhythmogenic right ventricular dysplasia 11. Last evaluated: 2019-11-27. Review status: criteria provided, single submitter. Criteria: Invitae Variant Classification Sherloc (09022015). Collection method: clinical testing. Allele origin: germline.
Comment: This variant has not been reported in the literature in individuals with DSC2-related conditions. In summary, the available evidence is currently insufficient to determine the role of this variant in disease. Therefore, it has been classified as a Variant of Uncertain Significance. Algorithms developed to predict the effect of missense changes on protein structure and function are either unavailable or do not agree on the potential impact of this missense change (SIFT: "Tolerated"; PolyPhen-2: "Possibly Damaging"; Align-GVGD: "Class C0"). This variant is not present in population databases (ExAC no frequency). This sequence change replaces aspartic acid with glutamic acid at codon 670 of the DSC2 protein (p.Asp670Glu). The aspartic acid residue is moderately conserved and there is a small physicochemical difference between aspartic acid and glutamic acid.